The following is an entry in ClinVar:

ClinVar aggregate classification (germline): Uncertain significance. Review status: criteria provided, multiple submitters, no conflicts (2 of 4 stars). 2 submissions from 2 submitters: Uncertain significance (2). Last evaluated 2025-08-18.

Conditions:
Ataxia-telangiectasia syndrome (AT). Also called: ATAXIA-TELANGIECTASIA, COMPLEMENTATION GROUP A; ATAXIA-TELANGIECTASIA, FRESNO VARIANT; Ataxia-telangiectasia, complementation group E; Ataxia telangiectasia (A-T); LOUIS-BAR SYNDROME; Cerebello-oculocutaneous telangiectasia. Identifiers: Orphanet 100, MedGen C0004135, MONDO:0008840, OMIM 208900.
Hereditary cancer-predisposing syndrome. Also called: Neoplastic Syndromes, Hereditary; Hereditary Cancer Syndrome; Hereditary neoplastic syndrome; Tumor predisposition. Identifiers: Orphanet 140162, MedGen C0027672, MeSH D009386, MONDO:0015356.

Submissions (2):

Labcorp Genetics (formerly Invitae), Labcorp
Classification: Uncertain significance for Ataxia-telangiectasia syndrome. Last evaluated: 2025-08-18. Review status: criteria provided, single submitter. Criteria: Invitae Variant Classification Sherloc (09022015). Collection method: clinical testing. Allele origin: germline.
Comment: This sequence change replaces leucine, which is neutral and non-polar, with valine, which is neutral and non-polar, at codon 1794 of the ATM protein (p.Leu1794Val). This variant is not present in population databases (gnomAD no frequency). This variant has not been reported in the literature in individuals affected with ATM-related conditions. ClinVar contains an entry for this variant (Variation ID: 825691). Invitae Evidence Modeling of protein sequence and biophysical properties (such as structural, functional, and spatial information, amino acid conservation, physicochemical variation, residue mobility, and thermodynamic stability) indicates that this missense variant is not expected to disrupt ATM protein function with a negative predictive value of 95%. In summary, the available evidence is currently insufficient to determine the role of this variant in disease. Therefore, it has been classified as a Variant of Uncertain Significance.

Ambry Genetics
Classification: Uncertain significance for Hereditary cancer-predisposing syndrome. Last evaluated: 2019-09-24. Review status: criteria provided, single submitter. Criteria: Ambry Variant Classification Scheme 2023. Collection method: clinical testing. Allele origin: germline.
Comment: The p.L1794V variant (also known as c.5380C>G), located in coding exon 35 of the ATM gene, results from a C to G substitution at nucleotide position 5380. The leucine at codon 1794 is replaced by valine, an amino acid with highly similar properties. This amino acid position is highly conserved in available vertebrate species. In addition, this alteration is predicted to be tolerated by in silico analysis. Since supporting evidence is limited at this time, the clinical significance of this alteration remains unclear.

NM_000051.4(ATM):c.5380C>G (p.Leu1794Val)

Gene: ATM (ATM serine/threonine kinase; plus strand). Cytogenetic location: 11q22.3.
Variant type: single nucleotide variant.
Coding change: c.5380C>G on transcript NM_000051.4 (MANE Select); coding-DNA position 5380, C replaced by G.
Protein change: p.Leu1794Val; replaces leucine 1794 with valine.
Molecular consequence: missense variant.
Genome position (GRCh38, 1-based): chr11:108,302,913, C>G. VCF-style: chr11-108302913-C-G. GRCh37 (hg19) VCF-style: chr11-108173640-C-G.
Other names: c.5380C>G, p.Leu1794Val (NM_001351834.2); short protein forms L1794V.
Identifiers: ClinVar variation 825691 (VCV000825691.13), dbSNP rs1591712398, ClinGen allele CA382543525.
Genomic context (GRCh38, chr11:108,302,913, plus strand): 5'-TTTTTAGAAGTACCCAGATTTGACAAAGAAAACCCTTTTGAAGGCCTGGATGATATAAAT[C>G]TGTGGATTCCTCTAAGTGAAAATCATGACATTTGGATAAAGACACTGACTTGTGCTTTTT-3'
Protein context (NP_000042.3, residues 1784-1804): NPFEGLDDIN[Leu1794Val]WIPLSENHDI